The following is an entry in ClinVar:

ClinVar aggregate classification (germline): Uncertain significance. Review status: criteria provided, multiple submitters, no conflicts (2 of 4 stars). 3 submissions from 3 submitters: Uncertain significance (3). Last evaluated 2022-11-01.

Conditions:
Inborn genetic diseases. Identifiers: MedGen C0950123, MeSH D030342.

Allele frequency attached by ClinVar (database versions not stated): ESP Exome Variant Server 0.00008; gnomAD 0.00014; TOPMed 0.00015; gnomAD exomes 0.00017; ExAC 0.00038.
gnomAD v4.1: 271 of 1,611,438 alleles (0.017%); highest among the groups gnomAD compares: Non-Finnish European, 0.022%; no homozygotes.

Submissions (3):

Labcorp Genetics (formerly Invitae), Labcorp
Classification: Uncertain significance. Last evaluated: 2022-11-01. Review status: criteria provided, single submitter. Criteria: Invitae Variant Classification Sherloc (09022015). Collection method: clinical testing. Allele origin: germline.
Comment: This sequence change replaces valine, which is neutral and non-polar, with isoleucine, which is neutral and non-polar, at codon 1972 of the HERC1 protein (p.Val1972Ile). This variant is present in population databases (rs200362466, gnomAD 0.05%). This variant has not been reported in the literature in individuals affected with HERC1-related conditions. Advanced modeling of protein sequence and biophysical properties (such as structural, functional, and spatial information, amino acid conservation, physicochemical variation, residue mobility, and thermodynamic stability) performed at Invitae indicates that this missense variant is not expected to disrupt HERC1 protein function. Algorithms developed to predict the effect of sequence changes on RNA splicing suggest that this variant may create or strengthen a splice site. In summary, the available evidence is currently insufficient to determine the role of this variant in disease. Therefore, it has been classified as a Variant of Uncertain Significance.

GeneDx
Classification: Uncertain significance. Last evaluated: 2022-10-06. Review status: criteria provided, single submitter. Criteria: GeneDx Variant Classification Process June 2021. Collection method: clinical testing. Allele origin: germline. Affected: yes.
Comment: In silico analysis suggests that this missense variant does not alter protein structure/function, but splice predictors indicate that the variant may lead to abnormal gene splicing. In the absence of RNA/functional studies, the actual effect of this sequence change is unknown.; Has not been previously published as pathogenic or benign to our knowledge

Ambry Genetics
Classification: Uncertain significance for Inborn genetic diseases. Last evaluated: 2021-10-06. Review status: criteria provided, single submitter. Criteria: Ambry Variant Classification Scheme 2023. Collection method: clinical testing. Allele origin: germline.

NM_003922.4(HERC1):c.5914G>A (p.Val1972Ile)

Gene: HERC1 (HECT and RLD domain containing E3 ubiquitin protein ligase family member 1; minus strand). Cytogenetic location: 15q22.31.
Variant type: single nucleotide variant.
Coding change: c.5914G>A on transcript NM_003922.4 (MANE Select); coding-DNA position 5914, G replaced by A.
Protein change: p.Val1972Ile; replaces valine 1972 with isoleucine.
Molecular consequence: missense variant.
Genome position (GRCh38, 1-based): chr15:63,690,564, C>T on the plus strand (G>A on the coding strand, the complement: HERC1 is on the minus strand). VCF-style: chr15-63690564-C-T. GRCh37 (hg19) VCF-style: chr15-63982763-C-T.
Other names: c.5914G>A (NM_003922.3); short protein forms V1972I.
Identifiers: ClinVar variation 2085320 (VCV002085320.3), dbSNP rs200362466, ClinGen allele CA7605454.